The following is an entry in ClinVar:

NM_001369.3(DNAH5):c.4916delinsCTTATACACATCTG (p.Phe1639fs)

Genes: DNAH5 (dynein axonemal heavy chain 5; minus strand), LOC126807318 (MED14-independent group 3 enhancer GRCh37_chr5:13858976-13860175; plus strand). Cytogenetic location: 5p15.2.
Variant type: Indel.
Coding change: c.4916delinsCTTATACACATCTG on transcript NM_001369.3 (MANE Select); coding-DNA position 4916, T replaced by CTTATACACATCTG.
Protein change: p.Phe1639fs; shifts the reading frame from phenylalanine 1639.
Molecular consequence: frameshift variant.
Genome position (GRCh38, 1-based): chr5:13,859,486, A replaced by CAGATGTGTATAAG on the plus strand (T replaced by CTTATACACATCTG on the coding strand, the reverse complement: DNAH5 is on the minus strand). VCF-style: chr5-13859486-A-CAGATGTGTATAAG. GRCh37 (hg19) VCF-style: chr5-13859595-A-CAGATGTGTATAAG.
Other names: short protein forms F1639fs.
Identifiers: ClinVar variation 5010595 (VCV005010595.1).

ClinVar aggregate classification (germline): Pathogenic (1 of 4 stars; one submission).

Conditions:
Primary ciliary dyskinesia 3. Identifiers: Orphanet 244, MedGen C1837618, MONDO:0012085, OMIM 608644.

Submission:

Myriad Genetics, Inc.
Classification: Pathogenic for Primary ciliary dyskinesia 3. Last evaluated: 2024-05-14. Review status: criteria provided, single submitter. Criteria: Myriad Autosomal Dominant, Autosomal Recessive and X-Linked Classification Criteria (2023). Collection method: clinical testing. Allele origin: unknown.
Comment: NM_001369.2(DNAH5):c.4916del1ins14(F1639Sfs*23) is expected to be pathogenic in the context of primary ciliary dyskinesia, DNAH5-related. This variant is predicted to lead to an abnormal or absent protein product due to the creation of a premature termination codon in DNAH5, a gene where loss-of-function variants are known to be pathogenic. Please note: this variant was assessed in the context of healthy population screening.